The following is an entry in ClinVar:

ClinVar aggregate classification (germline): Uncertain significance (1 of 4 stars; one submission).

Conditions:
Monocytopenia with susceptibility to infections. Also called: MONOCYTOPENIA AND MYCOBACTERIAL INFECTION SYNDROME; MONOCYTOPENIA WITH SUSCEPTIBILITY TO MYCOBACTERIAL, FUNGAL, AND PAPILLOMAVIRUS INFECTIONS AND MYELODYSPLASIA; COMBINED IMMUNODEFICIENCY WITH SUSCEPTIBILITY TO MYCOBACTERIAL, VIRAL, AND FUNGAL INFECTIONS; Dendritic cell, monocyte, B lymphocyte, and natural killer lymphocyte deficiency; IMMUNODEFICIENCY 21; GATA2 DEFICIENCY. Identifiers: Orphanet 228423, MedGen C3280030, MONDO:0013607, OMIM 614172.
Deafness-lymphedema-leukemia syndrome. Also called: Lymphedema, primary, with myelodysplasia; Emberger syndrome. Identifiers: Orphanet 3226, MedGen C3279664, MONDO:0013540, OMIM 614038.

Submission:

Labcorp Genetics (formerly Invitae), Labcorp
Classification: Uncertain significance for Monocytopenia with susceptibility to infections; Deafness-lymphedema-leukemia syndrome. Last evaluated: 2025-12-17. Review status: criteria provided, single submitter. Criteria: Invitae Variant Classification Sherloc (09022015). Collection method: clinical testing. Allele origin: germline.
Comment: This sequence change replaces leucine, which is neutral and non-polar, with valine, which is neutral and non-polar, at codon 89 of the GATA2 protein (p.Leu89Val). This variant is not present in population databases (gnomAD no frequency). This variant has not been reported in the literature in individuals affected with GATA2-related conditions. Invitae Evidence Modeling of protein sequence and biophysical properties (such as structural, functional, and spatial information, amino acid conservation, physicochemical variation, residue mobility, and thermodynamic stability) has been performed for this missense variant. However, the output from this modeling did not meet the statistical confidence thresholds required to predict the impact of this variant on GATA2 protein function. In summary, the available evidence is currently insufficient to determine the role of this variant in disease. Therefore, it has been classified as a Variant of Uncertain Significance.

NM_032638.5(GATA2):c.265T>G (p.Leu89Val)

Gene: GATA2 (GATA binding protein 2; minus strand). Cytogenetic location: 3q21.3.
Variant type: single nucleotide variant.
Coding change: c.265T>G on transcript NM_032638.5 (MANE Select); coding-DNA position 265, T replaced by G.
Protein change: p.Leu89Val; replaces leucine 89 with valine.
Molecular consequence: missense variant.
Genome position (GRCh38, 1-based): chr3:128,486,333, A>C on the plus strand (T>G on the coding strand, the complement: GATA2 is on the minus strand). VCF-style: chr3-128486333-A-C. GRCh37 (hg19) VCF-style: chr3-128205176-A-C.
Other names: c.265T>G, p.Leu89Val (NM_001145661.2, NM_001145662.1); short protein forms L89V.
Identifiers: ClinVar variation 4789524 (VCV004789524.1).
Genomic context (GRCh38, chr3:128,486,333, plus strand): 5'-CAGCGGCAGAGAGGGCTGCTTTGCCCCCGTCCAGCCAGGGCAAACCCGGGCTGTGCAACA[A>C]GTGTGGGCGGCACATCTGGCCTCCGGTCAGGCGGGCTGCGGGCAAAGAGAGAGAGGATCA-3'
Protein context (NP_116027.2, residues 79-99): LTGGQMCRPH[Leu89Val]LHSPGLPWLD